The following is an entry in ClinVar:

NM_015662.3(IFT172):c.13C>T (p.His5Tyr)

Gene: IFT172 (intraflagellar transport 172; minus strand). Cytogenetic location: 2p23.3.
Variant type: single nucleotide variant.
Coding change: c.13C>T on transcript NM_015662.3 (MANE Select); coding-DNA position 13, C replaced by T.
Protein change: p.His5Tyr; replaces histidine 5 with tyrosine.
Molecular consequence: missense variant.
Genome position (GRCh38, 1-based): chr2:27,489,641, G>A on the plus strand (C>T on the coding strand, the complement: IFT172 is on the minus strand). VCF-style: chr2-27489641-G-A. GRCh37 (hg19) VCF-style: chr2-27712508-G-A.
Other names: c.13C>T, p.His5Tyr (NM_001410739.1); short protein forms H5Y.
Identifiers: ClinVar variation 4991200 (VCV004991200.1).

ClinVar aggregate classification (germline): Uncertain significance (1 of 4 stars; one submission).

Conditions:
IFT172-related disorder. Also called: IFT172-related disorders; IFT172-related condition.

Submission:

PreventionGenetics, part of Exact Sciences
Classification: Uncertain significance for IFT172-related condition. Last evaluated: 2025-11-11. Review status: criteria provided, single submitter. Criteria: ACMG Guidelines, 2015. Collection method: clinical testing. Allele origin: germline.
Comment: The IFT172 c.13C>T variant is predicted to result in the amino acid substitution p.His5Tyr. To our knowledge, this variant has not been reported in the literature. This variant is reported in 0.0062% of alleles in individuals of African descent in gnomAD. At this time, the clinical significance of this variant is uncertain due to the absence of conclusive functional and genetic evidence.